The following is an entry in ClinVar:

ClinVar aggregate classification (germline): Uncertain significance (1 of 4 stars; one submission).

Allele frequency attached by ClinVar (database versions not stated): gnomAD exomes below 0.00001; TOPMed below 0.00001; gnomAD 0.00001.
gnomAD v4.1: 3 of 1,611,492 alleles (0.00019%); highest among the groups gnomAD compares: Non-Finnish European, 0.00025%; no homozygotes.

Submission:

Ambry Genetics
Classification: Uncertain significance. Last evaluated: 2024-05-18. Review status: criteria provided, single submitter. Criteria: Ambry Variant Classification Scheme 2023. Collection method: clinical testing. Allele origin: germline.
Comment: The p.D67G variant (also known as c.200A>G), located in coding exon 2 of the POLQ gene, results from an A to G substitution at nucleotide position 200. The aspartic acid at codon 67 is replaced by glycine, an amino acid with similar properties. This amino acid position is conserved. In addition, this alteration is predicted to be tolerated by in silico analysis. Since supporting evidence is limited at this time, the clinical significance of this alteration remains unclear.

NM_199420.4(POLQ):c.200A>G (p.Asp67Gly)

Gene: POLQ (DNA polymerase theta; minus strand). Cytogenetic location: 3q13.33.
Variant type: single nucleotide variant.
Coding change: c.200A>G on transcript NM_199420.4 (MANE Select); coding-DNA position 200, A replaced by G.
Protein change: p.Asp67Gly; replaces aspartic acid 67 with glycine.
Molecular consequence: missense variant.
Genome position (GRCh38, 1-based): chr3:121,544,870, T>C on the plus strand (A>G on the coding strand, the complement: POLQ is on the minus strand). VCF-style: chr3-121544870-T-C. GRCh37 (hg19) VCF-style: chr3-121263717-T-C.
Other names: short protein forms D67G.
Identifiers: ClinVar variation 1784374 (VCV001784374.3), dbSNP rs1477886624, ClinGen allele CA354094912.
Genomic context (GRCh38, chr3:121,544,870, plus strand): 5'-AAACTGTGGTATTTTTCCAGAACTGCTTTAGGAAGTCCCCAGTTTGCCAATAGTAGCTTG[T>C]CTCTTTCGTAGTCAGGAACTGTAGGCTTGCATTCTCCTTTTAGGAAAAAGAAAAAATTAA-3'
Protein context (NP_955452.3, residues 57-77): CKPTVPDYER[Asp67Gly]KLLLANWGLP